The following is an entry in ClinVar:

NM_004171.4(SLC1A2):c.142A>C (p.Thr48Pro)

Gene: SLC1A2 (solute carrier family 1 member 2; minus strand). Cytogenetic location: 11p13.
Variant type: single nucleotide variant.
Coding change: c.142A>C on transcript NM_004171.4 (MANE Select); coding-DNA position 142, A replaced by C.
Protein change: p.Thr48Pro; replaces threonine 48 with proline.
Molecular consequence: missense variant.
Genome position (GRCh38, 1-based): chr11:35,317,392, T>G on the plus strand (A>C on the coding strand, the complement: SLC1A2 is on the minus strand). VCF-style: chr11-35317392-T-G. GRCh37 (hg19) VCF-style: chr11-35338939-T-G.
Other names: c.115A>C, p.Thr39Pro (NM_001195728.3, NM_001252652.2); short protein forms T39P, T48P.
Identifiers: ClinVar variation 1355680 (VCV001355680.8), dbSNP rs1388208451, ClinGen allele CA380131269.

ClinVar aggregate classification (germline): Uncertain significance (1 of 4 stars; one submission).

Allele frequency attached by ClinVar (database versions not stated): gnomAD 0.00001; gnomAD exomes 0.00001; TOPMed 0.00001.
gnomAD v4.1: 12 of 1,613,836 alleles (0.00074%); highest among the groups gnomAD compares: Non-Finnish European, 0.001%; no homozygotes.

Submission:

Labcorp Genetics (formerly Invitae), Labcorp
Classification: Uncertain significance. Last evaluated: 2021-08-01. Review status: criteria provided, single submitter. Criteria: Invitae Variant Classification Sherloc (09022015). Collection method: clinical testing. Allele origin: germline.
Comment: In summary, the available evidence is currently insufficient to determine the role of this variant in disease. Therefore, it has been classified as a Variant of Uncertain Significance. Algorithms developed to predict the effect of missense changes on protein structure and function are either unavailable or do not agree on the potential impact of this missense change (SIFT: "Tolerated"; PolyPhen-2: "Possibly Damaging"; Align-GVGD: "Class C0"). This variant has not been reported in the literature in individuals with SLC1A2-related conditions. This variant is not present in population databases (ExAC no frequency). This sequence change replaces threonine with proline at codon 48 of the SLC1A2 protein (p.Thr48Pro). The threonine residue is moderately conserved and there is a small physicochemical difference between threonine and proline.